The following is an entry in ClinVar:

NM_005250.3(FOXL1):c.976_990del (p.Gly326_Leu330del)

Gene: FOXL1 (forkhead box L1; plus strand). Cytogenetic location: 16q24.1.
Variant type: Deletion.
Coding change: c.976_990del on transcript NM_005250.3 (MANE Select); coding-DNA positions 976 to 990, 15 bases deleted (GGGATCCCCTTCCTC).
Protein change: p.Gly326_Leu330del.
Molecular consequence: inframe deletion.
Genome position (GRCh38, 1-based): chr16:86,579,699-86,579,713, GGGATCCCCTTCCTC deleted; deleting any 15 consecutive bases within chr16:86,579,696-86,579,713 gives the same sequence; the c. name uses the placement nearest the transcript's 3' end. VCF-style (leftmost placement, unchanged base first): chr16-86579695-GCTCGGGATCCCCTTC-G. GRCh37 (hg19) VCF-style: chr16-86613301-GCTCGGGATCCCCTTC-G.
Other names: c.976_990del (NM_005250.2).
Identifiers: ClinVar variation 2628013 (VCV002628013.24), dbSNP rs764026385, ClinGen allele CA8218709.

ClinVar aggregate classification (germline): Conflicting classifications of pathogenicity. Review status: criteria provided, conflicting classifications (1 of 4 stars). 3 submissions from 3 submitters: Pathogenic (1); Likely benign (1). 1 of the submissions does not count toward it. Last evaluated 2026-03-01.

Conditions:
Otosclerosis 11 (OTSC11). Identifiers: MedGen C5882715, MONDO:0957928, OMIM 620576.

Submissions (3):

CeGaT Center for Human Genetics Tuebingen
Classification: Likely benign. Last evaluated: 2026-03-01. Review status: criteria provided, single submitter. Criteria: CeGaT Center For Human Genetics Tuebingen Variant Classification Criteria Version 2. Collection method: clinical testing. Allele origin: germline. Affected: yes. Observed: 3 variant alleles.
Comment: FOXL1: PM4, BS2

Young Lab, Memorial University
Classification: Pathogenic for Otosclerosis 11. Last evaluated: 2021-10-11. Review status: criteria provided, single submitter. Criteria: ClinGen HL ACMG Specifications v1. Collection method: research, in vitro. Allele origin: germline, not applicable. Inheritance: Autosomal dominant inheritance. Affected: yes. Observed: 8 variant alleles, 8 heterozygotes. Clinical features observed: Otosclerosis (HP:0000362). Functional consequence: inframe deletion.
Comment: We conclude that FOXL1 (NM_005250.2: c.976_990del) is pathogenic according to the following hearing loss and indel specific ACMG criteria (PS3_Moderate, PM4, PP1_Strong, PP3, PP4) and the cause of autosomal dominant otosclerosis in this study (Oza et al. 2018; Richards et al. 2015).

OMIM
Classification: Pathogenic for OTOSCLEROSIS 11. Last evaluated: 2023-11-08. Review status: no assertion criteria provided. Collection method: literature only. Allele origin: germline. Not counted in ClinVar's aggregate classification.

Literature cited by the submitters: PubMed 34633540 (cited by Young Lab, Memorial University and OMIM); PubMed 35885890 (cited by Young Lab, Memorial University).